The following is an entry in ClinVar:

ClinVar aggregate classification (germline): Conflicting classifications of pathogenicity. Review status: criteria provided, conflicting classifications (1 of 4 stars). 4 submissions from 4 submitters: Uncertain significance (3); Likely benign (1). Last evaluated 2026-01-11.

Conditions:
Hereditary insensitivity to pain with anhidrosis (CIPA). Also called: FAMILIAL DYSAUTONOMIA, TYPE II; HSAN Type IV; NEUROPATHY, CONGENITAL SENSORY, WITH ANHIDROSIS; NTRK1 Congenital Insensitivity to Pain with Anhidrosis; INSENSITIVITY TO PAIN, CONGENITAL, WITH ANHIDROSIS; hereditary sensory and autonomic neuropathy type 4. Identifiers: Orphanet 642, MedGen C0020074, MONDO:0009746, OMIM 256800.

Allele frequency attached by ClinVar (database versions not stated): TOPMed 0.00003; gnomAD 0.00004 and 0.00013; 1000 Genomes Project 30x 0.00016; 1000 Genomes Project 0.00020; gnomAD exomes 0.00020; ExAC 0.00029.
gnomAD v4.1: 230 of 1,603,882 alleles (0.014%); highest among the groups gnomAD compares: South Asian, 0.19%; 1 homozygote.

Submissions (4):

Labcorp Genetics (formerly Invitae), Labcorp
Classification: Likely benign for Hereditary insensitivity to pain with anhidrosis. Last evaluated: 2026-01-11. Review status: criteria provided, single submitter. Criteria: Invitae Variant Classification Sherloc (09022015). Collection method: clinical testing. Allele origin: germline.

GeneDx
Classification: Uncertain significance. Last evaluated: 2025-08-02. Review status: criteria provided, single submitter. Criteria: GeneDx Variant Classification Process June 2021. Collection method: clinical testing. Allele origin: germline. Affected: yes.
Comment: Reported as a heterozygous variant in a patient with pure sensory polyneuropathy, hypotonia, decreased muscle stretch reflexes, absent pain and temperature sensations, and decreased lacrimation in the published literature; however, a second variant in NTRK1 gene was not reported (PMID: 35263888); In silico analysis suggests that this missense variant does not alter protein structure/function; This variant is associated with the following publications: (PMID: 35263888)

Blueprint Genetics
Classification: Uncertain significance. Last evaluated: 2024-07-02. Review status: criteria provided, single submitter. Criteria: ACMG Guidelines, 2015. Collection method: clinical testing. Allele origin: germline.

Mayo Clinic Laboratories, Mayo Clinic
Classification: Uncertain significance. Last evaluated: 2021-09-16. Review status: criteria provided, single submitter. Criteria: ACMG Guidelines, 2015. Collection method: clinical testing. Allele origin: germline.

NM_002529.4(NTRK1):c.2282G>A (p.Arg761Gln)

Gene: NTRK1 (neurotrophic receptor tyrosine kinase 1; plus strand). Cytogenetic location: 1q23.1.
Variant type: single nucleotide variant.
Coding change: c.2282G>A on transcript NM_002529.4 (MANE Select); coding-DNA position 2282, G replaced by A.
Protein change: p.Arg761Gln; replaces arginine 761 with glutamine.
Molecular consequence: missense variant.
Genome position (GRCh38, 1-based): chr1:156,881,533, G>A. VCF-style: chr1-156881533-G-A. GRCh37 (hg19) VCF-style: chr1-156851325-G-A.
Other names: p.Arg761Gln; c.2174G>A, p.Arg725Gln (NM_001007792.1); c.2264G>A, p.Arg755Gln (NM_001012331.2); c.2264G>A (NM_001012331.1); short protein forms R725Q, R755Q, R761Q.
Identifiers: ClinVar variation 1623456 (VCV001623456.14), dbSNP rs201891311, ClinGen allele CA1169623.